The following is an entry in ClinVar:

NM_000465.4(BARD1):c.1677+2T>C

Gene: BARD1 (BRCA1 associated RING domain 1; minus strand). Cytogenetic location: 2q35.
Variant type: single nucleotide variant.
Coding change: c.1677+2T>C on transcript NM_000465.4 (MANE Select); the canonical splice donor site of the intron after coding-DNA position 1677, T replaced by C.
Molecular consequence: splice donor variant. On other transcripts: intron variant (1).
Genome position (GRCh38, 1-based): chr2:214,752,445, A>G on the plus strand (T>C on the coding strand, the complement: BARD1 is on the minus strand). VCF-style: chr2-214752445-A-G. GRCh37 (hg19) VCF-style: chr2-215617169-A-G.
Other names: c.267+2T>C (NM_001282548.2); c.1620+2T>C (NM_001282543.2); c.324+2T>C (NM_001282545.2); c.365-21937T>C (NM_001282549.2).
Identifiers: ClinVar variation 2583210 (VCV002583210.2), dbSNP rs2469377325, ClinGen allele CA350454484.

ClinVar aggregate classification (germline): Likely pathogenic (1 of 4 stars; one submission).

Conditions:
Familial cancer of breast. Also called: Hereditary breast cancer; BREAST CANCER, FAMILIAL; hereditary breast carcinoma. Identifiers: Orphanet 227535, MedGen C0346153, MONDO:0016419, OMIM 114480. Disease mechanism: loss of function.

Submission:

Myriad Genetics, Inc.
Classification: Likely pathogenic for Familial cancer of breast. Last evaluated: 2023-05-23. Review status: criteria provided, single submitter. Criteria: Myriad Autosomal Dominant, Autosomal Recessive and X-Linked Classification Criteria (2023). Collection method: clinical testing. Allele origin: unknown.
Comment: This variant is considered likely pathogenic. This variant occurs within a consensus splice junction and is predicted to result in abnormal mRNA splicing of either an out-of-frame exon or an in-frame exon necessary for protein stability and/or normal function.